The following is an entry in ClinVar:

ClinVar aggregate classification (germline): Likely pathogenic (1 of 4 stars; one submission).

Conditions:
Autosomal recessive limb-girdle muscular dystrophy type 2J (LGMDR10). Also called: Limb-girdle muscular dystrophy, type 2J; MUSCULAR DYSTROPHY, LIMB-GIRDLE, AUTOSOMAL RECESSIVE 10. Identifiers: Orphanet 140922, MedGen C1837342, MONDO:0012127, OMIM 608807.
Dilated cardiomyopathy 1G (CMD1G). Identifiers: Orphanet 154, MedGen C1858763, MONDO:0011400, OMIM 604145.

Submission:

Labcorp Genetics (formerly Invitae), Labcorp
Classification: Likely pathogenic for Dilated cardiomyopathy 1G; Autosomal recessive limb-girdle muscular dystrophy type 2J. Last evaluated: 2024-10-18. Review status: criteria provided, single submitter. Criteria: Invitae Variant Classification Sherloc (09022015). Collection method: clinical testing. Allele origin: germline.
Comment: This sequence change creates a premature translational stop signal (p.Thr13563Glnfs*35) in the TTN gene. While this is not anticipated to result in nonsense mediated decay, it is expected to create a truncated TTN protein. This variant is not present in population databases (gnomAD no frequency). This variant has not been reported in the literature in individuals affected with TTN-related conditions. ClinVar contains an entry for this variant (Variation ID: 2090014). This variant is located in the I band of TTN (PMID: 25589632). Truncating variants in this region have been reported in individuals affected with autosomal recessive centronuclear myopathy (PMID: 23975875, internal data). Truncating variants in this region have also been identified in individuals affected with autosomal dominant dilated cardiomyopathy and/or cardio-related conditions (PMID: 27869827, 32964742, internal data). In summary, the currently available evidence indicates that the variant is pathogenic, but additional data are needed to prove that conclusively. Therefore, this variant has been classified as Likely Pathogenic.

Literature cited by the submitters: PubMed 25589632; PubMed 23975875; PubMed 27869827; PubMed 32964742.

NM_001267550.2(TTN):c.40686del (p.Thr13563fs)

Gene: TTN (titin; minus strand). Cytogenetic location: 2q31.2.
Variant type: Deletion.
Coding change: c.40686del on transcript NM_001267550.2 (MANE Select); coding-DNA position 40686, one base deleted (T; older notation c.40686delT).
Protein change: p.Thr13563fs; shifts the reading frame from threonine 13563.
Molecular consequence: frameshift variant.
Genome position (GRCh38, 1-based): chr2:178,640,578, A deleted on the plus strand (T on the coding strand, the reverse complement: TTN is on the minus strand); the first of 2 consecutive A bases (chr2:178,640,578-178,640,579); deleting either gives the same sequence. VCF-style (leftmost placement, unchanged base first): chr2-178640577-TA-T. GRCh37 (hg19) VCF-style: chr2-179505304-TA-T.
Other names: c.35763del, p.Thr11922fs (NM_001256850.1); c.13491del, p.Thr4498fs (NM_003319.4); c.32982del, p.Thr10995fs (NM_133378.4); c.13866del, p.Thr4623fs (NM_133432.3); c.14067del, p.Thr4690fs (NM_133437.4); short protein forms T4690fs, T11922fs, T10995fs, T4498fs, T4623fs, T13563fs.
Identifiers: ClinVar variation 2090014 (VCV002090014.4), dbSNP rs2471802474, ClinGen allele CA2580065037.